The following is an entry in ClinVar:

NM_013382.7(POMT2):c.1480A>G (p.Lys494Glu)

Gene: POMT2 (protein O-mannosyltransferase 2; minus strand). Cytogenetic location: 14q24.3.
Variant type: single nucleotide variant.
Coding change: c.1480A>G on transcript NM_013382.7 (MANE Select); coding-DNA position 1480, A replaced by G.
Protein change: p.Lys494Glu; replaces lysine 494 with glutamic acid.
Molecular consequence: missense variant.
Genome position (GRCh38, 1-based): chr14:77,285,485, T>C on the plus strand (A>G on the coding strand, the complement: POMT2 is on the minus strand). VCF-style: chr14-77285485-T-C. GRCh37 (hg19) VCF-style: chr14-77751828-T-C.
Other names: short protein forms K494E.
Identifiers: ClinVar variation 2145891 (VCV002145891.1), dbSNP rs2503196507, ClinGen allele CA390517266.
Genomic context (GRCh38, chr14:77,285,485, plus strand): 5'-AGAGTGAAAGGAAAATCAGGACCCTCGATTGGGACAGCAAAACCCTAGAGACTTACCACT[T>C]GGGCAGAACCTTTCCCGAGGAGCCCAGGACACAACCTGTGACCAAATGGATGAAGCGAAT-3'
Protein context (NP_037514.2, residues 484-504): VLGSSGKVLP[Lys494Glu]WGWEQLEVTC

ClinVar aggregate classification (germline): Uncertain significance (1 of 4 stars; one submission).

Conditions:
Muscular dystrophy-dystroglycanopathy (congenital with brain and eye anomalies), type A2. Also called: MUSCULAR DYSTROPHY-DYSTROGLYCANOPATHY (CONGENITAL WITH BRAIN AND EYE ANOMALIES), TYPE A, 2; WALKER-WARBURG SYNDROME OR MUSCLE-EYE-BRAIN DISEASE, POMT2-RELATED. Identifiers: Orphanet 588, Orphanet 899, MedGen C3150411, MONDO:0013154, OMIM 613150.
Autosomal recessive limb-girdle muscular dystrophy type 2N. Also called: MUSCULAR DYSTROPHY-DYSTROGLYCANOPATHY, LIMB-GIRDLE, POMT2-RELATED; Muscular dystrophy-dystroglycanopathy (limb-girdle), type C, 2. Identifiers: Orphanet 206559, MedGen C3150418, MONDO:0013162, OMIM 613158.
Muscular dystrophy-dystroglycanopathy (congenital with impaired intellectual development), type B, 2. Also called: Muscular dystrophy-dystroglycanopathy (congenital with intellectual disability), type B2; MUSCULAR DYSTROPHY, CONGENITAL, POMT2-RELATED. Identifiers: MedGen C3150416, MONDO:0013160, OMIM 613156.

Allele frequency attached by ClinVar (database versions not stated): gnomAD exomes below 0.00001.
gnomAD v4.1: 3 of 1,614,058 alleles (0.00019%); highest among the groups gnomAD compares: Non-Finnish European, 0.00025%; no homozygotes.

Submission:

Labcorp Genetics (formerly Invitae), Labcorp
Classification: Uncertain significance for Muscular dystrophy-dystroglycanopathy (congenital with impaired intellectual development), type B, 2; Muscular dystrophy-dystroglycanopathy (congenital with brain and eye anomalies), type A2; Autosomal recessive limb-girdle muscular dystrophy type 2N. Last evaluated: 2022-03-09. Review status: criteria provided, single submitter. Criteria: Invitae Variant Classification Sherloc (09022015). Collection method: clinical testing. Allele origin: germline.
Comment: This sequence change replaces lysine, which is basic and polar, with glutamic acid, which is acidic and polar, at codon 494 of the POMT2 protein (p.Lys494Glu). This variant is not present in population databases (gnomAD no frequency). This variant has not been reported in the literature in individuals affected with POMT2-related conditions. Algorithms developed to predict the effect of missense changes on protein structure and function are either unavailable or do not agree on the potential impact of this missense change (SIFT: "Tolerated"; PolyPhen-2: "Possibly Damaging"; Align-GVGD: "Class C0"). In summary, the available evidence is currently insufficient to determine the role of this variant in disease. Therefore, it has been classified as a Variant of Uncertain Significance.